The following is an entry in ClinVar:

ClinVar aggregate classification (germline): Uncertain significance (1 of 4 stars; one submission).

Submission:

Labcorp Genetics (formerly Invitae), Labcorp
Classification: Uncertain significance. Last evaluated: 2025-06-09. Review status: criteria provided, single submitter. Criteria: Invitae Variant Classification Sherloc (09022015). Collection method: clinical testing. Allele origin: germline.
Comment: This sequence change replaces cysteine, which is neutral and slightly polar, with phenylalanine, which is neutral and non-polar, at codon 279 of the GPR45 protein (p.Cys279Phe). This variant is not present in population databases (gnomAD no frequency). This variant has not been reported in the literature in individuals affected with GPR45-related conditions. An algorithm developed to predict the effect of missense changes on protein structure and function (PolyPhen-2) suggests that this variant is likely to be disruptive. In summary, the available evidence is currently insufficient to determine the role of this variant in disease. Therefore, it has been classified as a Variant of Uncertain Significance.

NM_007227.3(GPR45):c.836G>T (p.Cys279Phe)

Gene: GPR45 (G protein-coupled receptor 45; plus strand). Cytogenetic location: 2q12.1.
Variant type: single nucleotide variant.
Coding change: c.836G>T on transcript NM_007227.3 (MANE Select); coding-DNA position 836, G replaced by T.
Protein change: p.Cys279Phe; replaces cysteine 279 with phenylalanine.
Molecular consequence: missense variant.
Genome position (GRCh38, 1-based): chr2:105,242,694, G>T. VCF-style: chr2-105242694-G-T. GRCh37 (hg19) VCF-style: chr2-105859151-G-T.
Other names: short protein forms C279F.
Identifiers: ClinVar variation 4761463 (VCV004761463.1).